The following is an entry in ClinVar:

NM_006947.4(SRP72):c.1618G>A (p.Asp540Asn)

Gene: SRP72 (signal recognition particle 72; plus strand). Cytogenetic location: 4q12.
Variant type: single nucleotide variant.
Coding change: c.1618G>A on transcript NM_006947.4 (MANE Select); coding-DNA position 1618, G replaced by A.
Protein change: p.Asp540Asn; replaces aspartic acid 540 with asparagine.
Molecular consequence: missense variant. On other transcripts: non-coding transcript variant (1).
Genome position (GRCh38, 1-based): chr4:56,491,546, G>A. VCF-style: chr4-56491546-G-A. GRCh37 (hg19) VCF-style: chr4-57357712-G-A.
Other names: c.1435G>A, p.Asp479Asn (NM_001267722.2); short protein forms D479N, D540N.
Identifiers: ClinVar variation 3962068 (VCV003962068.1).

ClinVar aggregate classification (germline): Uncertain significance (1 of 4 stars; one submission).

gnomAD v4.1: 4 of 1,613,848 alleles (0.00025%); highest among the groups gnomAD compares: South Asian, 0.0011%; no homozygotes.

Submission:

Ambry Genetics
Classification: Uncertain significance. Last evaluated: 2025-04-11. Review status: criteria provided, single submitter. Criteria: Ambry Variant Classification Scheme 2023. Collection method: clinical testing. Allele origin: germline.
Comment: The p.D540N variant (also known as c.1618G>A), located in coding exon 16 of the SRP72 gene, results from a G to A substitution at nucleotide position 1618. The aspartic acid at codon 540 is replaced by asparagine, an amino acid with highly similar properties. This amino acid position is conserved. In addition, this alteration is predicted to be tolerated by in silico analysis. Based on the available evidence, the clinical significance of this variant remains unclear.